The following is an entry in ClinVar:

NM_001379291.1(BRD4):c.2158+825_2158+827del

Gene: BRD4 (bromodomain containing 4; minus strand). Cytogenetic location: 19p13.12.
Variant type: Microsatellite.
Coding change: c.2158+825_2158+827del on transcript NM_001379291.1 (MANE Select); bases 825 to 827 of the intron after coding-DNA position 2158, 3 bases deleted (ATT; older notation c.2158+825_2158+827delATT).
Molecular consequence: intron variant. On other transcripts: 3 prime UTR variant (1).
Genome position (GRCh38, 1-based): chr19:15,253,325-15,253,327, AAT deleted on the plus strand (ATT on the coding strand, the reverse complement: BRD4 is on the minus strand); deleting any 3 consecutive bases within chr19:15,253,325-15,253,330 gives the same sequence; the c. name uses the placement nearest the transcript's 3' end. VCF-style (leftmost placement, unchanged base first): chr19-15253324-GAAT-G. GRCh37 (hg19) VCF-style: chr19-15364135-GAAT-G.
Other names: c.*227ATT[1] (NM_001330384.2); c.2158+825_2158+827del (NM_058243.3, NM_001379292.1, NM_014299.3).
Identifiers: ClinVar variation 1711473 (VCV001711473.30), dbSNP rs527401058, ClinGen allele CA305798665.

ClinVar aggregate classification (germline): Likely benign (1 of 4 stars; one submission).

Submission:

CeGaT Center for Human Genetics Tuebingen
Classification: Likely benign. Last evaluated: 2026-05-01. Review status: criteria provided, single submitter. Criteria: CeGaT Center For Human Genetics Tuebingen Variant Classification Criteria Version 2. Collection method: clinical testing. Allele origin: germline. Affected: yes. Observed: 4 variant alleles.
Comment: BRD4: BS2